The following is an entry in ClinVar:

NM_177972.3(TUB):c.1447A>C (p.Asn483His)

Genes: RIC3 (RIC3 acetylcholine receptor chaperone; minus strand), TUB (TUB bipartite transcription factor; plus strand). Cytogenetic location: 11p15.4.
Variant type: single nucleotide variant.
Coding change: c.1447A>C on transcript NM_177972.3 (MANE Select); coding-DNA position 1447, A replaced by C.
Protein change: p.Asn483His; replaces asparagine 483 with histidine.
Molecular consequence: missense variant. On other transcripts: intron variant (2).
Genome position (GRCh38, 1-based): chr11:8,101,545, A>C. VCF-style: chr11-8101545-A-C. GRCh37 (hg19) VCF-style: chr11-8123092-A-C.
Other names: c.1465A>C, p.Asn489His (NM_001440538.1); c.1297A>C, p.Asn433His (NM_001440540.1); c.1279A>C, p.Asn427His (NM_001440541.1); c.1612A>C, p.Asn538His (NM_003320.5); c.1405+548A>C (NM_001440539.1); c.1237+548A>C (NM_001440542.1); short protein forms N433H, N538H, N427H, N483H, N489H.
Identifiers: ClinVar variation 4980201 (VCV004980201.1).

ClinVar aggregate classification (germline): Uncertain significance (1 of 4 stars; one submission).

Conditions:
TUB-related disorder. Also called: TUB-related condition.

Submission:

PreventionGenetics, part of Exact Sciences
Classification: Uncertain significance for TUB-related condition. Last evaluated: 2025-10-27. Review status: criteria provided, single submitter. Criteria: ACMG Guidelines, 2015. Collection method: clinical testing. Allele origin: germline.
Comment: The TUB c.1612A>C variant is predicted to result in the amino acid substitution p.Asn538His. To our knowledge, this variant has not been reported in the literature or in a large population database, indicating this variant is rare. At this time, the clinical significance of this variant is uncertain due to the absence of conclusive functional and genetic evidence.